The following is an entry in ClinVar:

NM_001007231.3(ARHGAP25):c.760G>A (p.Glu254Lys)

Gene: ARHGAP25 (Rho GTPase activating protein 25; plus strand). Cytogenetic location: 2p13.3.
Variant type: single nucleotide variant.
Coding change: c.760G>A on transcript NM_001007231.3 (MANE Select); coding-DNA position 760, G replaced by A.
Protein change: p.Glu254Lys; replaces glutamic acid 254 with lysine.
Molecular consequence: missense variant.
Genome position (GRCh38, 1-based): chr2:68,813,372, G>A. VCF-style: chr2-68813372-G-A. GRCh37 (hg19) VCF-style: chr2-69040504-G-A.
Other names: c.739G>A, p.Glu247Lys (NM_001166276.2); c.640G>A, p.Glu214Lys (NM_001166277.2); c.757G>A, p.Glu253Lys (NM_001364819.1); c.643G>A, p.Glu215Lys (NM_001364820.1); c.682G>A, p.Glu228Lys (NM_001364821.1); c.736G>A, p.Glu246Lys (NM_014882.3); short protein forms E214K, E215K, E228K, E246K, E247K, E253K, E254K.
Identifiers: ClinVar variation 3357768 (VCV003357768.1).
Genomic context (GRCh38, chr2:68,813,372, plus strand): 5'-TCCCTGTTAAAGCTCTACCTCCGAGACCTCCCAGAGCCCGTGGTTCCCTGGAGCCAGTAC[G>A]AAGGGTTCCTGCTCTGTGGGCAGCTCACGAATGCGGATGAGGCAAAGGTTTGCATCTTAG-3'
Protein context (NP_001007232.2, residues 244-264): PEPVVPWSQY[Glu254Lys]GFLLCGQLTN

ClinVar aggregate classification (germline): Likely benign (0 of 4 stars; one submission).

Conditions:
ARHGAP25-related condition.

gnomAD v4.1: 9,027 of 1,613,670 alleles (0.56%); highest among the groups gnomAD compares: Non-Finnish European, 0.7%; 20 homozygotes.

Submission:

PreventionGenetics, part of Exact Sciences
Classification: Likely benign for ARHGAP25-related condition. Last evaluated: 2024-08-13. Review status: no assertion criteria provided. Collection method: clinical testing. Allele origin: germline.
Comment: This variant is classified as likely benign based on ACMG/AMP sequence variant interpretation guidelines (Richards et al. 2015 PMID: 25741868, with internal and published modifications).